The following is an entry in ClinVar:

NM_001267550.2(TTN):c.70351_70354del (p.Val23452fs)

Genes: TTN (titin; minus strand), TTN-AS1 (TTN antisense RNA 1; plus strand), LOC126806422 (BRD4-independent group 4 enhancer GRCh37_chr2:179440205-179441404; plus strand). Cytogenetic location: 2q31.2.
Variant type: Deletion.
Coding change: c.70351_70354del on transcript NM_001267550.2 (MANE Select); coding-DNA positions 70351 to 70354, 4 bases deleted (AGTG; older notation c.70351_70354delAGTG).
Protein change: p.Val23452fs; shifts the reading frame from valine 23452.
Molecular consequence: frameshift variant.
Genome position (GRCh38, 1-based): chr2:178,575,778-178,575,781, CACT deleted on the plus strand (AGTG on the coding strand, the reverse complement: TTN is on the minus strand). VCF-style (leftmost placement, unchanged base first): chr2-178575777-ACACT-A. GRCh37 (hg19) VCF-style: chr2-179440504-ACACT-A.
Other names: c.65428_65431del, p.Val21811fs (NM_001256850.1); c.43156_43159del, p.Val14387fs (NM_003319.4); c.62647_62650del, p.Val20884fs (NM_133378.4); c.43531_43534del, p.Val14512fs (NM_133432.3); c.43732_43735del, p.Val14579fs (NM_133437.4); short protein forms V14387fs, V14512fs, V14579fs, V20884fs, V21811fs, V23452fs.
Identifiers: ClinVar variation 4084575 (VCV004084575.8).
Genomic context (GRCh38, chr2:178,575,777, plus strand): 5'-ACAATGTAGTTTGTTATACGTGAGCCTCCATCTATCAGAGGGAGGTCCCAGTGCAGGGTG[ACACT>A]GTCCTTTGTGATGTCTGTAGGCCGCAGGTTGAGGACTGGGCCTGGCGTGTCCAAGACTCT-3'

ClinVar aggregate classification (germline): Likely pathogenic (1 of 4 stars; one submission).

Submission:

CeGaT Center for Human Genetics Tuebingen
Classification: Likely pathogenic. Last evaluated: 2025-07-01. Review status: criteria provided, single submitter. Criteria: CeGaT Center For Human Genetics Tuebingen Variant Classification Criteria Version 2. Collection method: clinical testing. Allele origin: germline. Affected: yes. Observed: 1 variant allele.
Comment: TTN: PVS1:Strong, PM2